The following is an entry in ClinVar:

NM_007247.6(SYNRG):c.145G>A (p.Gly49Arg)

Gene: SYNRG (synergin gamma; minus strand). Cytogenetic location: 17q12.
Variant type: single nucleotide variant.
Coding change: c.145G>A on transcript NM_007247.6 (MANE Select); coding-DNA position 145, G replaced by A.
Protein change: p.Gly49Arg; replaces glycine 49 with arginine.
Molecular consequence: missense variant.
Genome position (GRCh38, 1-based): chr17:37,596,318, C>T on the plus strand (G>A on the coding strand, the complement: SYNRG is on the minus strand). VCF-style: chr17-37596318-C-T. GRCh37 (hg19) VCF-style: chr17-35956365-C-T.
Other names: c.145G>A, p.Gly49Arg (NM_001163544.3, NM_001163546.3, NM_001163547.3 and 3 more transcripts); c.142G>A, p.Gly48Arg (NM_001163545.3); short protein forms G48R, G49R.
Identifiers: ClinVar variation 3346733 (VCV003346733.1).

ClinVar aggregate classification (germline): Uncertain significance (0 of 4 stars; one submission).

Conditions:
SYNRG-related disorder. Also called: SYNRG-related condition.

Submission:

PreventionGenetics, part of Exact Sciences
Classification: Uncertain significance for SYNRG-related condition. Last evaluated: 2024-07-20. Review status: no assertion criteria provided. Collection method: clinical testing. Allele origin: germline.
Comment: The SYNRG c.145G>A variant is predicted to result in the amino acid substitution p.Gly49Arg. To our knowledge, this variant has not been reported in the literature or in a large population database, indicating this variant is rare. At this time, the clinical significance of this variant is uncertain due to the absence of conclusive functional and genetic evidence.